The following is an entry in ClinVar:

NM_001379110.1(SLC9A6):c.1904C>G (p.Ser635Cys)

Gene: SLC9A6 (solute carrier family 9 member A6; plus strand). Cytogenetic location: Xq26.3.
Variant type: single nucleotide variant.
Coding change: c.1904C>G on transcript NM_001379110.1 (MANE Select); coding-DNA position 1904, C replaced by G.
Protein change: p.Ser635Cys; replaces serine 635 with cysteine.
Molecular consequence: missense variant.
Genome position (GRCh38, 1-based): chrX:136,044,588, C>G. VCF-style: chrX-136044588-C-G. GRCh37 (hg19) VCF-style: chrX-135126747-C-G.
Other names: c.1874C>G, p.Ser625Cys (NM_006359.3); c.1814C>G, p.Ser605Cys (NM_001177651.2, NM_001400909.1, NM_001400910.1 and 2 more transcripts); c.1718C>G, p.Ser573Cys (NM_001330652.2, NM_001400913.1); c.2060C>G, p.Ser687Cys (NM_001438742.1); c.1970C>G, p.Ser657Cys (NM_001042537.2); short protein forms S573C, S605C, S625C, S635C, S657C, S687C.
Identifiers: ClinVar variation 4717142 (VCV004717142.1).

ClinVar aggregate classification (germline): Uncertain significance (1 of 4 stars; one submission).

Conditions:
Christianson syndrome (MRXSCH). Also called: SLC9A6-Related Syndromic Mental Retardation; X-linked mental retardation, syndromic, Christianson type; INTELLECTUAL DEVELOPMENTAL DISORDER, X-LINKED, SYNDROMIC, CHRISTIANSON TYPE. Identifiers: Orphanet 85278, MedGen C2678194, MONDO:0010278, OMIM 300243.

gnomAD v4.1: 4 of 1,211,323 alleles (0.00033%); highest among the groups gnomAD compares: Non-Finnish European, 0.00045%; no homozygotes.

Submission:

Labcorp Genetics (formerly Invitae), Labcorp
Classification: Uncertain significance for Christianson syndrome. Last evaluated: 2025-04-18. Review status: criteria provided, single submitter. Criteria: Invitae Variant Classification Sherloc (09022015). Collection method: clinical testing. Allele origin: germline.
Comment: This sequence change replaces serine, which is neutral and polar, with cysteine, which is neutral and slightly polar, at codon 625 of the SLC9A6 protein (p.Ser625Cys). This variant is not present in population databases (gnomAD no frequency). This variant has not been reported in the literature in individuals affected with SLC9A6-related conditions. An algorithm developed to predict the effect of missense changes on protein structure and function (PolyPhen-2) suggests that this variant is likely to be disruptive. In summary, the available evidence is currently insufficient to determine the role of this variant in disease. Therefore, it has been classified as a Variant of Uncertain Significance.